The following is an entry in ClinVar:

NM_000051.4(ATM):c.6194T>C (p.Ile2065Thr)

Genes: ATM (ATM serine/threonine kinase; plus strand), C11orf65 (chromosome 11 open reading frame 65; minus strand). Cytogenetic location: 11q22.3.
Variant type: single nucleotide variant.
Coding change: c.6194T>C on transcript NM_000051.4 (MANE Select); coding-DNA position 6194, T replaced by C.
Protein change: p.Ile2065Thr; replaces isoleucine 2065 with threonine.
Molecular consequence: missense variant. On other transcripts: intron variant (2).
Genome position (GRCh38, 1-based): chr11:108,316,109, T>C. VCF-style: chr11-108316109-T-C. GRCh37 (hg19) VCF-style: chr11-108186836-T-C.
Other names: NP_000042.3:p.Ile2065Thr; c.6194T>C, p.Ile2065Thr (NM_001351834.2); c.641-7038A>G (NM_001330368.2); c.*39-7038A>G (NM_001351110.2); short protein forms I2065T.
Identifiers: ClinVar variation 230510 (VCV000230510.43), dbSNP rs372838622, ClinGen allele CA6265873.

ClinVar aggregate classification (germline): Conflicting classifications of pathogenicity. Review status: criteria provided, conflicting classifications (1 of 4 stars). 17 submissions from 16 submitters: Uncertain significance (15); Likely benign (1). 1 of the submissions does not count toward it. Last evaluated 2026-07-16.

Conditions:
ATM-related disorder. Also called: ATM-related disorders; ATM-related condition.
Hereditary cancer-predisposing syndrome. Also called: Neoplastic Syndromes, Hereditary; Hereditary neoplastic syndrome; Tumor predisposition; Hereditary Cancer Syndrome. Identifiers: Orphanet 140162, MedGen C0027672, MeSH D009386, MONDO:0015356.
ATM-related cancer predisposition. Also called: ATM-related cancer susceptibility. Identifiers: MedGen CN377759, MONDO:0700270.
Familial cancer of breast. Also called: hereditary breast carcinoma; Hereditary breast cancer; BREAST CANCER, FAMILIAL. Identifiers: Orphanet 227535, MedGen C0346153, MONDO:0016419, OMIM 114480. Disease mechanism: loss of function.
Hereditary breast ovarian cancer syndrome. Also called: BRCA1- and BRCA2-Associated Hereditary Breast and Ovarian Cancer; Hereditary breast and/or ovarian cancer syndrome; Hereditary breast and ovarian cancer syndrome (HBOC); Hereditary breast and ovarian cancer syndrome; Hereditary breast and ovarian cancer; Breast and ovarian cancer. Identifiers: Orphanet 145, MedGen C0677776, MeSH D061325, MONDO:0003582. Disease mechanism: loss of function.
Ataxia-telangiectasia syndrome (AT). Also called: Ataxia telangiectasia (A-T); Cerebello-oculocutaneous telangiectasia; Immunodeficiency with ataxia telangiectasia; LOUIS-BAR SYNDROME; AT, COMPLEMENTATION GROUP C; ATAXIA-TELANGIECTASIA, FRESNO VARIANT. Identifiers: Orphanet 100, MedGen C0004135, MONDO:0008840, OMIM 208900.

Allele frequency attached by ClinVar (database versions not stated): gnomAD exomes 0.00002 and 0.00001; gnomAD 0.00014 and 0.00012; TOPMed 0.00014; ExAC 0.00002; ESP Exome Variant Server 0.00008.
gnomAD v4.1: 32 of 1,613,760 alleles (0.002%); highest among the groups gnomAD compares: African/African-American, 0.035%; no homozygotes.

Submissions 1 to 10 of 17:

PreventionGenetics, part of Exact Sciences
Classification: Uncertain significance for ATM-related condition. Last evaluated: 2026-07-16. Review status: criteria provided, single submitter. Criteria: ACMG Guidelines, 2015. Collection method: clinical testing. Allele origin: germline.
Comment: The ATM c.6194T>C variant is predicted to result in the amino acid substitution p.Ile2065Thr. This variant was reported in an individual with breast cancer (Eygelaar et al. 2022. PubMed ID: 35039564) and in a large association study of cancer predisposition genes and prostate cancer risk in men of African descent (Matejcic et al. 2020. PubMed ID: 32832836). This variant is reported in 0.024% of alleles in individuals of African descent in gnomAD and has conflicting interpretations in ClinVar ranging from likely benign to uncertain (Variation ID: 230510). At this time, the clinical significance of this variant is uncertain due to the absence of conclusive functional and genetic evidence.

Women's Health and Genetics/Laboratory Corporation of America, LabCorp
Classification: Uncertain significance. Last evaluated: 2026-01-05. Review status: criteria provided, single submitter. Criteria: LabCorp Variant Classification Summary - May 2015. Collection method: clinical testing. Allele origin: germline.
Comment: Variant summary: ATM c.6194T>C (p.Ile2065Thr) results in a non-conservative amino acid change located in the PIK-related kinase (IPR014009) of the encoded protein sequence. Algorithms developed to predict the effect of missense changes on protein structure and function are either unavailable or do not agree on the potential impact of this missense change. The variant allele was found at a frequency of 1.6e-05 in 251104 control chromosomes. The available data on variant occurrences in the general population are insufficient to allow any conclusion about variant significance. c.6194T>C has been observed in individual(s) affected with Breast Cancer (Eygelaar_2022). To our knowledge, no experimental evidence demonstrating an impact on protein function has been reported. The following publication have been ascertained in the context of this evaluation (PMID: 35039564). ClinVar contains an entry for this variant (Variation ID: 230510). Based on the evidence outlined above, the variant was classified as uncertain significance.

Labcorp Genetics (formerly Invitae), Labcorp
Classification: Uncertain significance for Ataxia-telangiectasia syndrome. Last evaluated: 2025-12-31. Review status: criteria provided, single submitter. Criteria: Invitae Variant Classification Sherloc (09022015). Collection method: clinical testing. Allele origin: germline.
Comment: This sequence change replaces isoleucine, which is neutral and non-polar, with threonine, which is neutral and polar, at codon 2065 of the ATM protein (p.Ile2065Thr). This variant is present in population databases (rs372838622, gnomAD 0.03%). This variant has not been reported in the literature in individuals affected with ATM-related conditions. ClinVar contains an entry for this variant (Variation ID: 230510). Invitae Evidence Modeling of protein sequence and biophysical properties (such as structural, functional, and spatial information, amino acid conservation, physicochemical variation, residue mobility, and thermodynamic stability) indicates that this missense variant is not expected to disrupt ATM protein function with a negative predictive value of 95%. In summary, the available evidence is currently insufficient to determine the role of this variant in disease. Therefore, it has been classified as a Variant of Uncertain Significance.

Myriad Genetics, Inc.
Classification: Likely benign for Familial cancer of breast. Last evaluated: 2025-11-06. Review status: criteria provided, single submitter. Criteria: Myriad Autosomal Dominant, Autosomal Recessive and X-Linked Classification Criteria (2023). Collection method: clinical testing. Allele origin: unknown.
Comment: This variant is considered likely benign. This variant is strongly associated with less severe personal and family histories of cancer, typical for individuals without pathogenic variants in this gene [PMID: 25085752].

GeneDx
Classification: Uncertain significance. Last evaluated: 2025-07-21. Review status: criteria provided, single submitter. Criteria: GeneDx Variant Classification Process June 2021. Collection method: clinical testing. Allele origin: germline. Affected: yes.
Comment: In silico analysis suggests that this missense variant does not alter protein structure/function; Observed in individuals with breast cancer (PMID: 29684080, 35039564); This variant is associated with the following publications: (PMID: 35039564, 29684080, 23532176)

Color Diagnostics, LLC DBA Color Health
Classification: Uncertain significance for Hereditary cancer-predisposing syndrome. Last evaluated: 2024-08-27. Review status: criteria provided, single submitter. Criteria: ACMG Guidelines, 2015. Collection method: clinical testing. Allele origin: germline.
Comment: This missense variant replaces isoleucine with threonine at codon 2065 of the ATM protein. Computational prediction suggests that this variant may not impact protein structure and function. To our knowledge, functional studies have not been performed for this variant. This variant has been reported in an individual affected with breast cancer (PMID: 35039564). This variant has been identified in 6/282486 chromosomes in the general population by the Genome Aggregation Database (gnomAD). The available evidence is insufficient to determine the role of this variant in disease conclusively. Therefore, this variant is classified as a Variant of Uncertain Significance.

Ambry Genetics
Classification: Uncertain significance for Hereditary cancer-predisposing syndrome. Last evaluated: 2024-06-14. Review status: criteria provided, single submitter. Criteria: Ambry Variant Classification Scheme 2023. Collection method: clinical testing. Allele origin: germline.
Comment: The p.I2065T variant (also known as c.6194T>C), located in coding exon 41 of the ATM gene, results from a T to C substitution at nucleotide position 6194. The isoleucine at codon 2065 is replaced by threonine, an amino acid with similar properties. This variant was detected in a cohort of 165 South African women of self-identified African ancestry diagnosed with breast cancer, who were unselected for family history of cancer (Eygelaar D et al. Sci Rep, 2022 Jan;12:802). This variant was also identified in a cohort of 3,579 African males diagnosed with prostate cancer who underwent multi-gene panel testing of 19 DNA repair and cancer predisposition genes (Matejcic M et al. JCO Precis Oncol, 2020 Jan;4:32-43). This amino acid position is not well conserved in available vertebrate species. In addition, the in silico prediction for this alteration is inconclusive. Since supporting evidence is limited at this time, the clinical significance of this alteration remains unclear.

Department of Pathology and Laboratory Medicine, Sinai Health System
Classification: Uncertain significance for ATM-related cancer predisposition. Last evaluated: 2024-05-09. Review status: criteria provided, single submitter. Criteria: ACMG Guidelines, 2015. Collection method: clinical testing. Allele origin: germline. Affected: no.

Baylor Genetics
Classification: Uncertain significance for Familial cancer of breast. Last evaluated: 2024-03-03. Review status: criteria provided, single submitter. Criteria: ACMG Guidelines, 2015. Collection method: clinical testing. Allele origin: unknown.

Blueprint Genetics
Classification: Uncertain significance. Last evaluated: 2024-02-20. Review status: criteria provided, single submitter. Criteria: ACMG Guidelines, 2015. Collection method: clinical testing. Allele origin: germline.